The following is an entry in ClinVar:

ClinVar aggregate classification (germline): Likely benign. Review status: criteria provided, multiple submitters, no conflicts (2 of 4 stars). 2 submissions from 2 submitters: Likely benign (2). Last evaluated 2025-01-31.

Conditions:
Early Myoclonic Encephalopathy. Identifiers: MedGen C0270855.
JMJD1C-related disorder. Also called: JMJD1C-related condition.

Allele frequency attached by ClinVar (database versions not stated): gnomAD exomes below 0.00001; TOPMed below 0.00001; gnomAD 0.00001.
gnomAD v4.1: 9 of 1,597,084 alleles (0.00056%); highest among the groups gnomAD compares: East Asian, 0.0067%; no homozygotes.

Submissions (2):

PreventionGenetics, part of Exact Sciences
Classification: Likely benign for JMJD1C-related condition. Last evaluated: 2025-01-31. Review status: criteria provided, single submitter. Criteria: ACMG Guidelines, 2015. Collection method: clinical testing. Allele origin: germline.
Comment: This variant is classified as likely benign based on ACMG/AMP sequence variant interpretation guidelines (Richards et al. 2015 PMID: 25741868, with internal and published modifications).

Labcorp Genetics (formerly Invitae), Labcorp
Classification: Likely benign for Early Myoclonic Encephalopathy. Last evaluated: 2019-08-18. Review status: criteria provided, single submitter. Criteria: Invitae Variant Classification Sherloc (09022015). Collection method: clinical testing. Allele origin: germline.

NM_032776.3(JMJD1C):c.987G>A (p.Glu329=)

Gene: JMJD1C (jumonji domain containing 1C; minus strand). Cytogenetic location: 10q21.3.
Variant type: single nucleotide variant.
Coding change: c.987G>A on transcript NM_032776.3 (MANE Select); coding-DNA position 987, G replaced by A.
Protein change: p.Glu329=; no amino-acid change (glutamic acid 329 retained).
Molecular consequence: synonymous variant. On other transcripts: non-coding transcript variant (1).
Genome position (GRCh38, 1-based): chr10:63,215,291, C>T on the plus strand (G>A on the coding strand, the complement: JMJD1C is on the minus strand). VCF-style: chr10-63215291-C-T. GRCh37 (hg19) VCF-style: chr10-64975051-C-T.
Other names: c.441G>A, p.Glu147= (NM_001282948.2, NM_001318154.2); c.123G>A, p.Glu41= (NM_001318153.2); c.873G>A, p.Glu291= (NM_001322252.2); c.330G>A, p.Glu110= (NM_001322254.2, NM_001322258.2); c.987G>A (NM_032776.2).
Identifiers: ClinVar variation 1082306 (VCV001082306.10), dbSNP rs1189516728, ClinGen allele CA469999727.